The following is an entry in ClinVar:

ClinVar aggregate classification (germline): Likely benign (1 of 4 stars; one submission).

Submission:

CeGaT Center for Human Genetics Tuebingen
Classification: Likely benign. Last evaluated: 2022-07-01. Review status: criteria provided, single submitter. Criteria: CeGaT Center For Human Genetics Tuebingen Variant Classification Criteria Version 2. Collection method: clinical testing. Allele origin: germline. Affected: yes. Observed: 1 variant allele.
Comment: NBEAL2: PM2:Supporting, BP4, BP7

NM_015175.3(NBEAL2):c.201C>G (p.Ala67=)

Gene: NBEAL2 (neurobeachin like 2; plus strand). Cytogenetic location: 3p21.31.
Variant type: single nucleotide variant.
Coding change: c.201C>G on transcript NM_015175.3 (MANE Select); coding-DNA position 201, C replaced by G.
Protein change: p.Ala67=; no amino-acid change (alanine 67 retained).
Molecular consequence: synonymous variant.
Genome position (GRCh38, 1-based): chr3:46,988,902, C>G. VCF-style: chr3-46988902-C-G. GRCh37 (hg19) VCF-style: chr3-47030392-C-G.
Other names: c.180C>G, p.Ala60= (NM_001365116.2).
Identifiers: ClinVar variation 2653735 (VCV002653735.24), dbSNP rs772836674, ClinGen allele CA433596655.